The following is an entry in ClinVar:

NM_018489.3(ASH1L):c.4065_4072del (p.Met1356fs)

Gene: ASH1L (ASH1 like histone lysine methyltransferase; minus strand). Cytogenetic location: 1q22.
Variant type: Deletion.
Coding change: c.4065_4072del on transcript NM_018489.3 (MANE Select); coding-DNA positions 4065 to 4072, 8 bases deleted (GATGAGGG; older notation c.4065_4072delGATGAGGG).
Protein change: p.Met1356fs; shifts the reading frame from methionine 1356.
Molecular consequence: frameshift variant.
Genome position (GRCh38, 1-based): chr1:155,478,798-155,478,805, CCCTCATC deleted on the plus strand (GATGAGGG on the coding strand, the reverse complement: ASH1L is on the minus strand). VCF-style (leftmost placement, unchanged base first): chr1-155478797-TCCCTCATC-T. GRCh37 (hg19) VCF-style: chr1-155448588-TCCCTCATC-T.
Other names: c.4065_4072del, p.Met1356fs (NM_001366177.2); short protein forms M1356fs.
Identifiers: ClinVar variation 1676217 (VCV001676217.2), dbSNP rs2148721365, ClinGen allele CA2573131124.

ClinVar aggregate classification (germline): Likely pathogenic (1 of 4 stars; one submission).

Conditions:
Intellectual developmental disorder, autosomal dominant 52. Also called: Intellectual disability, autosomal dominant 52; Mental retardation, autosomal dominant 52. Identifiers: MedGen C4540478, MONDO:0030918, OMIM 617796.

Submission:

Center for Human Genetics and Genomic Medicine, Uniklinik Rwth Aachen
Classification: Likely pathogenic for Intellectual developmental disorder, autosomal dominant 52. Last evaluated: 2022-04-07. Review status: criteria provided, single submitter. Criteria: ACMG Guidelines, 2015. Collection method: clinical testing. Allele origin: unknown. Inheritance: Autosomal dominant inheritance. Affected: yes.
Comment: The change leads to a shift in the reading frame and therefore in all probability to a loss of function of the corresponding protein. To our knowledge, it has not previously been reported in the literature. The variant is not listed in control collectives (gnomAD, as of March 30, 2022). The variant is currently to be regarded as a "likely pathogenic variant" (ACMG criteria).